The following is an entry in ClinVar:

ClinVar aggregate classification (germline): Pathogenic (1 of 4 stars; one submission).

Conditions:
Breast-ovarian cancer, familial, susceptibility to, 1 (BROVCA1). Also called: OVARIAN CANCER, SUSCEPTIBILITY TO; BRCA1 Hereditary Breast and Ovarian Cancer. Identifiers: Orphanet 145, MedGen C2676676, MONDO:0011450, OMIM 604370. Disease mechanism: loss of function.

Submission:

Myriad Genetics, Inc.
Classification: Pathogenic for Breast-ovarian cancer, familial, susceptibility to, 1. Last evaluated: 2026-07-15. Review status: criteria provided, single submitter. Criteria: Myriad Autosomal Dominant, Autosomal Recessive and X-Linked Classification Criteria (2023). Collection method: clinical testing. Allele origin: unknown.
Comment: This variant is considered pathogenic. This variant creates a frameshift predicted to result in premature protein truncation.

NM_007294.4(BRCA1):c.2682dup (p.Gln895fs)

Gene: BRCA1 (BRCA1 DNA repair associated; minus strand). Cytogenetic location: 17q21.31.
Variant type: Duplication.
Coding change: c.2682dup on transcript NM_007294.4 (MANE Select); coding-DNA position 2682, one base duplicated (A; older notation c.2682dupA).
Protein change: p.Gln895fs; shifts the reading frame from glutamine 895.
Molecular consequence: frameshift variant. On other transcripts: intron variant (137).
Genome position (GRCh38, 1-based): chr17:43,092,849, T duplicated on the plus strand (A on the coding strand, the reverse complement: BRCA1 is on the minus strand); the first of 3 consecutive T bases (chr17:43,092,849-43,092,851); duplicating any one gives the same sequence. VCF-style (leftmost placement, unchanged base first): chr17-43092848-G-GT. GRCh37 (hg19) VCF-style: chr17-41244865-G-GT.
Other names: c.665-1817dup (NM_001408440.1, NM_001408428.1, NM_001408441.1 and 12 more transcripts); c.671-1817dup (NM_001408418.1, NM_001408422.1, NM_001408419.1 and 2 more transcripts); c.788-1817dup (NM_001407981.1, NM_007298.4, NM_001407978.1 and 17 more transcripts); c.644-1817dup (NM_001408462.1, NM_001408465.1, NM_001408463.1 and 3 more transcripts); c.710-1817dup (NM_001408414.1, NM_001408411.1, NM_001408415.1 and 2 more transcripts); c.578-1817dup (NM_001408514.1, NM_001408485.1, NM_001408483.1 and 9 more transcripts); c.662-1817dup (NM_001408447.1, NM_001408433.1, NM_001408450.1 and 6 more transcripts); c.785-1817dup (NM_001408400.1, NM_001408392.1, NM_001407986.1 and 13 more transcripts); and 41 more; short protein forms Q599fs, Q727fs, Q767fs, Q768fs, Q783fs, Q784fs, Q806fs, Q807fs.
Identifiers: ClinVar variation 5042210 (VCV005042210.1).